The following is an entry in ClinVar:

ClinVar aggregate classification (germline): Uncertain significance. Review status: criteria provided, multiple submitters, no conflicts (2 of 4 stars). 2 submissions from 2 submitters: Uncertain significance (2). Last evaluated 2024-03-25.

Conditions:
Multiple gastrointestinal atresias. Also called: FAMILIAL INTESTINAL POLYATRESIA SYNDROME; Multiple intestinal atresia. Identifiers: Orphanet 2300, MedGen C0220744, MONDO:0009465.
Inborn genetic diseases. Identifiers: MedGen C0950123, MeSH D030342.

Allele frequency attached by ClinVar (database versions not stated): gnomAD exomes 0.00001.
gnomAD v4.1: 7 of 1,556,758 alleles (0.00045%); highest among the groups gnomAD compares: Middle Eastern, 0.034%; no homozygotes.

Submissions (2):

Ambry Genetics
Classification: Uncertain significance for Inborn genetic diseases. Last evaluated: 2024-03-25. Review status: criteria provided, single submitter. Criteria: Ambry Variant Classification Scheme 2023. Collection method: clinical testing. Allele origin: germline.

Labcorp Genetics (formerly Invitae), Labcorp
Classification: Uncertain significance for Multiple gastrointestinal atresias. Last evaluated: 2020-09-01. Review status: criteria provided, single submitter. Criteria: Invitae Variant Classification Sherloc (09022015). Collection method: clinical testing. Allele origin: germline.
Comment: This sequence change replaces arginine with glycine at codon 21 of the TTC7A protein (p.Arg21Gly). The arginine residue is moderately conserved and there is a moderate physicochemical difference between arginine and glycine. In summary, the available evidence is currently insufficient to determine the role of this variant in disease. Therefore, it has been classified as a Variant of Uncertain Significance. Algorithms developed to predict the effect of missense changes on protein structure and function are either unavailable or do not agree on the potential impact of this missense change (SIFT: "Deleterious"; PolyPhen-2: "Possibly Damaging"; Align-GVGD: "Class C0"). This variant has not been reported in the literature in individuals with TTC7A-related conditions. The frequency data for this variant in the population databases is considered unreliable, as metrics indicate insufficient coverage at this position in the ExAC database.

NM_020458.4(TTC7A):c.61C>G (p.Arg21Gly)

Genes: MCFD2 (multiple coagulation factor deficiency 2, ER cargo receptor complex subunit; minus strand), TTC7A (tetratricopeptide repeat domain 7A; plus strand). Cytogenetic location: 2p21.
Variant type: single nucleotide variant.
Coding change: c.61C>G on transcript NM_020458.4 (MANE Select); coding-DNA position 61, C replaced by G.
Protein change: p.Arg21Gly; replaces arginine 21 with glycine.
Molecular consequence: missense variant. On other transcripts: 5 prime UTR variant (2), intron variant (1).
Genome position (GRCh38, 1-based): chr2:46,941,602, C>G. VCF-style: chr2-46941602-C-G. GRCh37 (hg19) VCF-style: chr2-47168741-C-G.
Other names: c.61C>G, p.Arg21Gly (NM_001288951.2); c.-844C>G (NM_001288955.2); c.-37G>C (NM_001171508.2); c.62G>C, p.Arg21Pro (NM_001171511.3); c.83-8761C>G (NM_001288953.2); short protein forms R21G, R21P.
Identifiers: ClinVar variation 1011882 (VCV001011882.10), dbSNP rs1315722693, ClinGen allele CA346715636.